The following is an entry in ClinVar:

ClinVar aggregate classification (germline): Uncertain significance. Review status: criteria provided, multiple submitters, no conflicts (2 of 4 stars). 2 submissions from 2 submitters: Uncertain significance (2). Last evaluated 2026-07-06.

Conditions:
Hereditary cancer-predisposing syndrome. Also called: Neoplastic Syndromes, Hereditary; Hereditary neoplastic syndrome; Hereditary Cancer Syndrome; Tumor predisposition. Identifiers: Orphanet 140162, MedGen C0027672, MeSH D009386, MONDO:0015356.
Hereditary diffuse gastric adenocarcinoma (HDGC). Also called: DIFFUSE GASTRIC AND LOBULAR BREAST CANCER SYNDROME. Identifiers: Orphanet 26106, MedGen C1708349, MONDO:0007648, OMIM 137215.

Submissions (2):

Ambry Genetics
Classification: Uncertain significance for Hereditary cancer-predisposing syndrome. Last evaluated: 2026-07-06. Review status: criteria provided, single submitter. Criteria: Ambry Variant Classification Scheme 2023. Collection method: clinical testing. Allele origin: germline.
Comment: The p.Y827C variant (also known as c.2480A>G), located in coding exon 16 of the CDH1 gene, results from an A to G substitution at nucleotide position 2480. The tyrosine at codon 827 is replaced by cysteine, an amino acid with highly dissimilar properties. This amino acid position is conserved. In addition, this alteration is predicted to be deleterious by in silico analysis. Based on the available evidence, the clinical significance of this variant remains unclear.

Labcorp Genetics (formerly Invitae), Labcorp
Classification: Uncertain significance for Hereditary diffuse gastric adenocarcinoma. Last evaluated: 2017-05-23. Review status: criteria provided, single submitter. Criteria: Invitae Variant Classification Sherloc (09022015). Collection method: clinical testing. Allele origin: germline.
Comment: This variant is not present in population databases (ExAC no frequency). This variant has not been reported in the literature in individuals with a CDH1-related disease. Algorithms developed to predict the effect of missense changes on protein structure and function do not agree on the potential impact of this missense change (SIFT: "Deleterious"; PolyPhen-2: "Probably Damaging"; Align-GVGD: "Class C0"). In summary, this variant has uncertain impact on CDH1 function. The available evidence is currently insufficient to determine its role in disease. Therefore, it has been classified as a Variant of Uncertain Significance. This sequence change replaces tyrosine with cysteine at codon 827 of the CDH1 protein (p.Tyr827Cys). The tyrosine residue is highly conserved and there is a large physicochemical difference between tyrosine and cysteine.

NM_004360.5(CDH1):c.2480A>G (p.Tyr827Cys)

Gene: CDH1 (cadherin 1; plus strand). Cytogenetic location: 16q22.1.
Variant type: single nucleotide variant.
Coding change: c.2480A>G on transcript NM_004360.5 (MANE Select); coding-DNA position 2480, A replaced by G.
Protein change: p.Tyr827Cys; replaces tyrosine 827 with cysteine.
Molecular consequence: missense variant.
Genome position (GRCh38, 1-based): chr16:68,833,330, A>G. VCF-style: chr16-68833330-A-G. GRCh37 (hg19) VCF-style: chr16-68867233-A-G.
Other names: c.2297A>G, p.Tyr766Cys (NM_001317184.2); c.932A>G, p.Tyr311Cys (NM_001317185.2); c.515A>G, p.Tyr172Cys (NM_001317186.2); c.2480A>G (LRG_301t1); short protein forms Y827C, Y172C, Y311C, Y766C.
Identifiers: ClinVar variation 463765 (VCV000463765.10), dbSNP rs1555518224, ClinGen allele CA396472083.